The following is an entry in ClinVar:

NM_145068.4(TRPV3):c.652G>A (p.Ala218Thr)

Gene: TRPV3 (transient receptor potential cation channel subfamily V member 3; minus strand). Cytogenetic location: 17p13.2.
Variant type: single nucleotide variant.
Coding change: c.652G>A on transcript NM_145068.4 (MANE Select); coding-DNA position 652, G replaced by A.
Protein change: p.Ala218Thr; replaces alanine 218 with threonine.
Molecular consequence: missense variant.
Genome position (GRCh38, 1-based): chr17:3,535,705, C>T on the plus strand (G>A on the coding strand, the complement: TRPV3 is on the minus strand). VCF-style: chr17-3535705-C-T. GRCh37 (hg19) VCF-style: chr17-3438999-C-T.
Other names: c.652G>A, p.Ala218Thr (NM_001258205.2); short protein forms A218T.
Identifiers: ClinVar variation 2847330 (VCV002847330.3), dbSNP rs1019982418, ClinGen allele CA287013727.

ClinVar aggregate classification (germline): Uncertain significance (1 of 4 stars; one submission).

gnomAD v4.1: 1 of 1,545,514 alleles (0.000065%); highest among the groups gnomAD compares: Middle Eastern, 0.021%; no homozygotes.

Submission:

Labcorp Genetics (formerly Invitae), Labcorp
Classification: Uncertain significance. Last evaluated: 2025-08-28. Review status: criteria provided, single submitter. Criteria: Invitae Variant Classification Sherloc (09022015). Collection method: clinical testing. Allele origin: germline.
Comment: This sequence change replaces alanine, which is neutral and non-polar, with threonine, which is neutral and polar, at codon 218 of the TRPV3 protein (p.Ala218Thr). This variant is not present in population databases (gnomAD no frequency). This variant has not been reported in the literature in individuals affected with TRPV3-related conditions. ClinVar contains an entry for this variant (Variation ID: 2847330). Invitae Evidence Modeling of protein sequence and biophysical properties (such as structural, functional, and spatial information, amino acid conservation, physicochemical variation, residue mobility, and thermodynamic stability) has been performed for this missense variant. However, the output from this modeling did not meet the statistical confidence thresholds required to predict the impact of this variant on TRPV3 protein function. In summary, the available evidence is currently insufficient to determine the role of this variant in disease. Therefore, it has been classified as a Variant of Uncertain Significance.